The following is an entry in ClinVar:

NM_006237.4(POU4F1):c.1168G>T (p.Glu390Ter)

Genes: OBI1-AS1 (OBI1 antisense RNA 1; plus strand), POU4F1 (POU class 4 homeobox 1; minus strand). Cytogenetic location: 13q31.1.
Variant type: single nucleotide variant.
Coding change: c.1168G>T on transcript NM_006237.4 (MANE Select); coding-DNA position 1168, G replaced by T.
Protein change: p.Glu390Ter; replaces glutamic acid 390 with a stop codon.
Molecular consequence: nonsense.
Genome position (GRCh38, 1-based): chr13:78,601,507, C>A on the plus strand (G>T on the coding strand, the complement: POU4F1 is on the minus strand). VCF-style: chr13-78601507-C-A. GRCh37 (hg19) VCF-style: chr13-79175642-C-A.
Other names: short protein forms E390*.
Identifiers: ClinVar variation 4528184 (VCV004528184.1).
Genomic context (GRCh38, chr13:78,601,507, plus strand): 5'-GCTTCTGTCTCTGGTTGCAAAACCACACCCGCACCACGTTCTTTTTGAGGTCCAGTTTCT[C>A]GGCGATGGCGGCGATCTTCTCGGACGAGGGCCGGGGCTGCACGGCGAAGTAGGCCTCGAG-3'

ClinVar aggregate classification (germline): Uncertain significance (1 of 4 stars; one submission).

Submission:

GeneDx
Classification: Uncertain significance. Last evaluated: 2025-05-08. Review status: criteria provided, single submitter. Criteria: GeneDx Variant Classification Process June 2021. Collection method: clinical testing. Allele origin: germline. Affected: yes.
Comment: Not observed at significant frequency in large population cohorts (gnomAD); Has not been previously published as pathogenic or benign to our knowledge; Nonsense variant predicted to result in protein truncation as the last 30 amino acid(s) are lost with an unclear effect on protein function